The following is an entry in ClinVar:

NM_006922.4(SCN3A):c.3188A>T (p.Tyr1063Phe)

Gene: SCN3A (sodium voltage-gated channel alpha subunit 3; minus strand). Cytogenetic location: 2q24.3.
Variant type: single nucleotide variant.
Coding change: c.3188A>T on transcript NM_006922.4 (MANE Select); coding-DNA position 3188, A replaced by T.
Protein change: p.Tyr1063Phe; replaces tyrosine 1063 with phenylalanine.
Molecular consequence: missense variant.
Genome position (GRCh38, 1-based): chr2:165,127,836, T>A on the plus strand (A>T on the coding strand, the complement: SCN3A is on the minus strand). VCF-style: chr2-165127836-T-A. GRCh37 (hg19) VCF-style: chr2-165984346-T-A.
Other names: c.3041A>T, p.Tyr1014Phe (NM_001081676.2, NM_001081677.2); short protein forms Y1063F, Y1014F.
Identifiers: ClinVar variation 1380460 (VCV001380460.6), dbSNP rs2105762699, ClinGen allele CA349040908.
Genomic context (GRCh38, chr2:165,127,836, plus strand): 5'-TATTTTTCAACACTGCTTCCAGTACCTACACCACTGGTGGTTCCATTCCCATCTCTAAGA[T>A]AATTAAGCTCTTTGCTTATTTCAATTCCAGTATTATTGGACATGCAGCTGTCTATCTTAT-3'
Protein context (NP_008853.3, residues 1053-1073): TGIEISKELN[Tyr1063Phe]LRDGNGTTSG

ClinVar aggregate classification (germline): Uncertain significance (1 of 4 stars; one submission).

Allele frequency attached by ClinVar (database versions not stated): gnomAD exomes below 0.00001.
gnomAD v4.1: 5 of 1,614,230 alleles (0.00031%); highest among the groups gnomAD compares: Non-Finnish European, 0.00042%; no homozygotes.

Submission:

Labcorp Genetics (formerly Invitae), Labcorp
Classification: Uncertain significance. Last evaluated: 2023-03-22. Review status: criteria provided, single submitter. Criteria: Invitae Variant Classification Sherloc (09022015). Collection method: clinical testing. Allele origin: germline.
Comment: In summary, the available evidence is currently insufficient to determine the role of this variant in disease. Therefore, it has been classified as a Variant of Uncertain Significance. Advanced modeling of protein sequence and biophysical properties (such as structural, functional, and spatial information, amino acid conservation, physicochemical variation, residue mobility, and thermodynamic stability) performed at Invitae indicates that this missense variant is not expected to disrupt SCN3A protein function. ClinVar contains an entry for this variant (Variation ID: 1380460). This variant has not been reported in the literature in individuals affected with SCN3A-related conditions. This variant is not present in population databases (gnomAD no frequency). This sequence change replaces tyrosine, which is neutral and polar, with phenylalanine, which is neutral and non-polar, at codon 1063 of the SCN3A protein (p.Tyr1063Phe).